The following is an entry in ClinVar:

NM_024675.4(PALB2):c.1482T>G (p.Thr494=)

Gene: PALB2 (partner and localizer of BRCA2; minus strand). Cytogenetic location: 16p12.2.
Variant type: single nucleotide variant.
Coding change: c.1482T>G on transcript NM_024675.4 (MANE Select); coding-DNA position 1482, T replaced by G.
Protein change: p.Thr494=; no amino-acid change (threonine 494 retained).
Molecular consequence: synonymous variant. On other transcripts: intron variant (3).
Genome position (GRCh38, 1-based): chr16:23,635,064, A>C on the plus strand (T>G on the coding strand, the complement: PALB2 is on the minus strand). VCF-style: chr16-23635064-A-C. GRCh37 (hg19) VCF-style: chr16-23646385-A-C.
Other names: c.1422T>G, p.Thr474= (NM_001407296.1); c.1482T>G, p.Thr494= (NM_001407297.1, NM_001407298.1, NM_001407299.1 and 3 more transcripts); c.597T>G, p.Thr199= (NM_001407304.1, NM_001407305.1, NM_001407306.1 and 5 more transcripts); c.49-5789T>G (NM_001407314.1); c.-104-4595T>G (NM_001407313.1, NM_001407312.1).
Identifiers: ClinVar variation 3903877 (VCV003903877.1).

ClinVar aggregate classification (germline): Benign (1 of 4 stars; one submission).

Conditions:
Familial cancer of breast. Also called: Hereditary breast cancer; hereditary breast carcinoma; BREAST CANCER, FAMILIAL. Identifiers: Orphanet 227535, MedGen C0346153, MONDO:0016419, OMIM 114480. Disease mechanism: loss of function.

Submission:

Myriad Genetics, Inc.
Classification: Benign for Familial cancer of breast. Last evaluated: 2025-01-13. Review status: criteria provided, single submitter. Criteria: Myriad Autosomal Dominant, Autosomal Recessive and X-Linked Classification Criteria (2023). Collection method: clinical testing. Allele origin: unknown.
Comment: This variant is considered benign. This variant is a silent/synonymous amino acid change and it is not expected to impact splicing.